The following is an entry in ClinVar:

NM_004006.3(DMD):c.941G>T (p.Arg314Leu)

Gene: DMD (dystrophin; minus strand). Cytogenetic location: Xp21.1.
Variant type: single nucleotide variant.
Coding change: c.941G>T on transcript NM_004006.3 (MANE Select); coding-DNA position 941, G replaced by T.
Protein change: p.Arg314Leu; replaces arginine 314 with leucine.
Molecular consequence: missense variant.
Genome position (GRCh38, 1-based): chrX:32,697,889, C>A on the plus strand (G>T on the coding strand, the complement: DMD is on the minus strand). VCF-style: chrX-32697889-C-A. GRCh37 (hg19) VCF-style: chrX-32716006-C-A.
Other names: c.917G>T, p.Arg306Leu (NM_000109.4); c.929G>T, p.Arg310Leu (NM_004009.3); c.572G>T, p.Arg191Leu (NM_004010.3); short protein forms R306L, R310L, R191L, R314L.
Identifiers: ClinVar variation 972442 (VCV000972442.17), dbSNP rs751164104, ClinGen allele CA10380023.

ClinVar aggregate classification (germline): Conflicting classifications of pathogenicity. Review status: criteria provided, conflicting classifications (1 of 4 stars). 5 submissions from 5 submitters: Uncertain significance (3); Likely benign (1). 1 of the submissions does not count toward it. Last evaluated 2025-12-01.

Conditions:
Cardiovascular phenotype. Identifiers: MedGen CN230736.
Duchenne muscular dystrophy (DMD). Also called: Duchenne Muscular Dystrophy (DMD); MUSCULAR DYSTROPHY, PSEUDOHYPERTROPHIC PROGRESSIVE, DUCHENNE TYPE. Identifiers: Orphanet 98896, MedGen C0013264, MONDO:0010679, OMIM 310200.
Dystrophin deficiency.
Becker muscular dystrophy (BMD). Also called: Becker Muscular Dystrophy (BMD); MUSCULAR DYSTROPHY, PSEUDOHYPERTROPHIC PROGRESSIVE, BECKER TYPE. Identifiers: Orphanet 98895, MedGen C0917713, MONDO:0010311, OMIM 300376.
Cardiomyopathy (CMYO). Also called: Cardiomyopathies. Identifiers: Orphanet 167848, MedGen C0878544, MONDO:0004994, HP:0001638. Inheritance: Various modes of inheritance.

gnomAD v4.1: 14 of 1,210,227 alleles (0.0012%); highest among the groups gnomAD compares: Non-Finnish European, 0.0013%; no homozygotes.

Submissions (5):

CeGaT Center for Human Genetics Tuebingen
Classification: Likely benign. Last evaluated: 2025-12-01. Review status: criteria provided, single submitter. Criteria: CeGaT Center For Human Genetics Tuebingen Variant Classification Criteria Version 2. Collection method: clinical testing. Allele origin: germline. Affected: yes. Observed: 1 variant allele.
Comment: DMD: BP4, BS2

Ambry Genetics
Classification: Uncertain significance for Cardiovascular phenotype. Last evaluated: 2024-08-20. Review status: criteria provided, single submitter. Criteria: Ambry Variant Classification Scheme 2023. Collection method: clinical testing. Allele origin: germline.
Comment: The p.R314L variant (also known as c.941G>T), located in coding exon 9 of the DMD gene, results from a G to T substitution at nucleotide position 941. The arginine at codon 314 is replaced by leucine, an amino acid with dissimilar properties. Based on data from gnomAD, the T allele has an overall frequency of 0.002% (3/181635) total alleles studied, with 1 hemizygote observed. The highest observed frequency was 0.004% (3/80937) of non-Finnish European alleles. This amino acid position is not well conserved in available vertebrate species. In addition, this alteration is predicted to be tolerated by in silico analysis. Since supporting evidence is limited at this time, the clinical significance of this alteration remains unclear.

Labcorp Genetics (formerly Invitae), Labcorp
Classification: Uncertain significance for Duchenne muscular dystrophy. Last evaluated: 2024-04-02. Review status: criteria provided, single submitter. Criteria: Invitae Variant Classification Sherloc (09022015). Collection method: clinical testing. Allele origin: germline.
Comment: This sequence change replaces arginine, which is basic and polar, with leucine, which is neutral and non-polar, at codon 314 of the DMD protein (p.Arg314Leu). The frequency data for this variant in the population databases is considered unreliable, as metrics indicate poor data quality at this position in the gnomAD database. This variant has not been reported in the literature in individuals affected with DMD-related conditions. ClinVar contains an entry for this variant (Variation ID: 972442). Advanced modeling of protein sequence and biophysical properties (such as structural, functional, and spatial information, amino acid conservation, physicochemical variation, residue mobility, and thermodynamic stability) performed at Invitae indicates that this missense variant is not expected to disrupt DMD protein function with a negative predictive value of 95%. Algorithms developed to predict the effect of sequence changes on RNA splicing suggest that this variant may disrupt the consensus splice site. In summary, the available evidence is currently insufficient to determine the role of this variant in disease. Therefore, it has been classified as a Variant of Uncertain Significance.

Athena Diagnostics
Classification: Uncertain significance. Last evaluated: 2020-03-16. Review status: criteria provided, single submitter. Criteria: Athena Diagnostics Criteria. Collection method: clinical testing. Allele origin: unknown.

Natera, Inc.
Classification: Uncertain significance for Becker muscular dystrophy; Cardiomyopathy; Duchenne muscular dystrophy; Dystrophin deficiency. Last evaluated: 2019-04-11. Review status: no assertion criteria provided. Collection method: clinical testing. Allele origin: germline. Not counted in ClinVar's aggregate classification.